The following is an entry in ClinVar:

ClinVar aggregate classification (germline): Uncertain significance. Review status: criteria provided, multiple submitters, no conflicts (2 of 4 stars). 2 submissions from 2 submitters: Uncertain significance (2). Last evaluated 2024-06-21.

Conditions:
Hereditary cancer-predisposing syndrome. Also called: Hereditary neoplastic syndrome; Neoplastic Syndromes, Hereditary; Tumor predisposition; Hereditary Cancer Syndrome. Identifiers: Orphanet 140162, MedGen C0027672, MeSH D009386, MONDO:0015356.

Allele frequency attached by ClinVar (database versions not stated): gnomAD 0.00001.
gnomAD v4.1: 3 of 1,612,904 alleles (0.00019%); highest among the groups gnomAD compares: African/African-American, 0.0027%; no homozygotes.

Submissions (2):

Labcorp Genetics (formerly Invitae), Labcorp
Classification: Uncertain significance. Last evaluated: 2024-06-21. Review status: criteria provided, single submitter. Criteria: Invitae Variant Classification Sherloc (09022015). Collection method: clinical testing. Allele origin: germline.
Comment: This sequence change replaces glutamine, which is neutral and polar, with arginine, which is basic and polar, at codon 743 of the MSH3 protein (p.Gln743Arg). This variant is not present in population databases (gnomAD no frequency). This variant has not been reported in the literature in individuals affected with MSH3-related conditions. ClinVar contains an entry for this variant (Variation ID: 1005707). An algorithm developed to predict the effect of missense changes on protein structure and function (PolyPhen-2) suggests that this variant is likely to be tolerated. In summary, the available evidence is currently insufficient to determine the role of this variant in disease. Therefore, it has been classified as a Variant of Uncertain Significance.

Ambry Genetics
Classification: Uncertain significance for Hereditary cancer-predisposing syndrome. Last evaluated: 2024-01-10. Review status: criteria provided, single submitter. Criteria: Ambry Variant Classification Scheme 2023. Collection method: clinical testing. Allele origin: germline.
Comment: The p.Q743R variant (also known as c.2228A>G), located in coding exon 15 of the MSH3 gene, results from an A to G substitution at nucleotide position 2228. The glutamine at codon 743 is replaced by arginine, an amino acid with highly similar properties. This amino acid position is not well conserved in available vertebrate species. In addition, this alteration is predicted to be tolerated by in silico analysis. Since supporting evidence is limited at this time, the clinical significance of this alteration remains unclear.

NM_002439.5(MSH3):c.2228A>G (p.Gln743Arg)

Gene: MSH3 (mutS homolog 3; plus strand). Cytogenetic location: 5q14.1.
Variant type: single nucleotide variant.
Coding change: c.2228A>G on transcript NM_002439.5 (MANE Select); coding-DNA position 2228, A replaced by G.
Protein change: p.Gln743Arg; replaces glutamine 743 with arginine.
Molecular consequence: missense variant.
Genome position (GRCh38, 1-based): chr5:80,768,978, A>G. VCF-style: chr5-80768978-A-G. GRCh37 (hg19) VCF-style: chr5-80064797-A-G.
Other names: short protein forms Q743R.
Identifiers: ClinVar variation 1005707 (VCV001005707.11), dbSNP rs1744171476, ClinGen allele CA360279725.